The following is an entry in ClinVar:

ClinVar aggregate classification (germline): Pathogenic/Likely pathogenic. Review status: criteria provided, multiple submitters, no conflicts (2 of 4 stars). 3 submissions from 3 submitters: Pathogenic (1); Likely pathogenic (1). 1 of the submissions does not count toward it. Last evaluated 2022-10-21.

Conditions:
VPS13B-related disorder. Also called: VPS13B-related condition.
Cohen syndrome (COH1). Also called: Cutis verticis gyrata, retinitis pigmentosa, and sensorineural deafness; PEPPER SYNDROME. Identifiers: Orphanet 193, MedGen C0265223, MONDO:0008999, OMIM 216550.

Submissions (3):

PreventionGenetics, part of Exact Sciences
Classification: Likely pathogenic for VPS13B-related condition. Last evaluated: 2022-10-21. Review status: criteria provided, single submitter. Criteria: ACMG Guidelines, 2015. Collection method: clinical testing. Allele origin: germline.
Comment: The VPS13B c.10166_10167delTC variant is predicted to result in a frameshift and premature protein termination (p.Leu3389Hisfs*27). To our knowledge, this variant has not been reported in the literature, but it has been interpreted as likely pathogenic or pathogenic in the ClinVar. This variant has not been reported in a large population database, indicating this variant is rare. Frameshift variants in VPS13B are expected to be pathogenic. This variant is interpreted as likely pathogenic.

Labcorp Genetics (formerly Invitae), Labcorp
Classification: Pathogenic for Cohen syndrome. Last evaluated: 2020-06-25. Review status: criteria provided, single submitter. Criteria: Invitae Variant Classification Sherloc (09022015). Collection method: clinical testing. Allele origin: germline.
Comment: For these reasons, this variant has been classified as Pathogenic. Loss-of-function variants in VPS13B are known to be pathogenic (PMID: 15141358, 16648375, 20461111). This variant has not been reported in the literature in individuals with VPS13B-related conditions. ClinVar contains an entry for this variant (Variation ID: 552135). This variant is not present in population databases (ExAC no frequency). This sequence change creates a premature translational stop signal (p.Leu3414Hisfs*27) in the VPS13B gene. It is expected to result in an absent or disrupted protein product.

Counsyl
Classification: Likely pathogenic for Cohen syndrome. Last evaluated: 2017-05-23. Review status: no assertion criteria provided. Collection method: clinical testing. Allele origin: unknown. Not counted in ClinVar's aggregate classification.

Literature cited by the submitters: PubMed 15141358 (cited by Labcorp Genetics (formerly Invitae), Labcorp); PubMed 16648375 (cited by Labcorp Genetics (formerly Invitae), Labcorp); PubMed 20461111 (cited by Labcorp Genetics (formerly Invitae), Labcorp).

NM_152564.5(VPS13B):c.10166_10167del (p.Leu3389fs)

Gene: VPS13B (vacuolar protein sorting 13 homolog B; plus strand). Cytogenetic location: 8q22.2.
Variant type: Deletion.
Coding change: c.10166_10167del on transcript NM_152564.5 (MANE Select); coding-DNA positions 10166 to 10167, 2 bases deleted (TC; older notation c.10166_10167delTC).
Protein change: p.Leu3389fs; shifts the reading frame from leucine 3389.
Molecular consequence: frameshift variant.
Genome position (GRCh38, 1-based): chr8:99,853,555-99,853,556, TC deleted; deleting any 2 consecutive bases within chr8:99,853,554-99,853,556 gives the same sequence; the c. name uses the placement nearest the transcript's 3' end. VCF-style (leftmost placement, unchanged base first): chr8-99853553-ACT-A. GRCh37 (hg19) VCF-style: chr8-100865781-ACT-A.
Other names: c.10166_10167delTC (NM_152564.4); c.10241_10242delTC (NM_017890.4); c.10241_10242del, p.Leu3414fs (NM_017890.5); short protein forms L3389fs, L3414fs.
Identifiers: ClinVar variation 552135 (VCV000552135.9), dbSNP rs1554581267, ClinGen allele CA658821909.